The following is an entry in ClinVar:

ClinVar aggregate classification (germline): Uncertain significance (1 of 4 stars; one submission).

Submission:

Ambry Genetics
Classification: Uncertain significance. Last evaluated: 2022-06-06. Review status: criteria provided, single submitter. Criteria: Ambry Variant Classification Scheme 2023. Collection method: clinical testing. Allele origin: germline.
Comment: The p.F2495V variant (also known as c.7483T>G), located in coding exon 28 of the POLQ gene, results from a T to G substitution at nucleotide position 7483. The phenylalanine at codon 2495 is replaced by valine, an amino acid with highly similar properties. This amino acid position is conserved. In addition, the in silico prediction for this alteration is inconclusive. Since supporting evidence is limited at this time, the clinical significance of this alteration remains unclear.

NM_199420.4(POLQ):c.7483T>G (p.Phe2495Val)

Gene: POLQ (DNA polymerase theta; minus strand). Cytogenetic location: 3q13.33.
Variant type: single nucleotide variant.
Coding change: c.7483T>G on transcript NM_199420.4 (MANE Select); coding-DNA position 7483, T replaced by G.
Protein change: p.Phe2495Val; replaces phenylalanine 2495 with valine.
Molecular consequence: missense variant.
Genome position (GRCh38, 1-based): chr3:121,436,182, A>C on the plus strand (T>G on the coding strand, the complement: POLQ is on the minus strand). VCF-style: chr3-121436182-A-C. GRCh37 (hg19) VCF-style: chr3-121155029-A-C.
Other names: short protein forms F2495V.
Identifiers: ClinVar variation 1759112 (VCV001759112.2), dbSNP rs1383955675, ClinGen allele CA354095826.
Genomic context (GRCh38, chr3:121,436,182, plus strand): 5'-CTGTTTGGTCACTTTGGAGCATACCCTCTCGATGACCATGGGATTTGAAGGTTGAGTGGA[A>C]GGTCTCTAATTGCTTCTGAATGTTAACTGTGGCTATTTTGACAATATCAGCTGCTGATCC-3'
Protein context (NP_955452.3, residues 2485-2505): TVNIQKQLET[Phe2495Val]HSTFKSHGHR